The following is an entry in ClinVar:

NM_000038.6(APC):c.6340A>C (p.Ser2114Arg)

Gene: APC (APC regulator of Wnt signaling pathway; plus strand). Cytogenetic location: 5q22.2.
Variant type: single nucleotide variant.
Coding change: c.6340A>C on transcript NM_000038.6 (MANE Select); coding-DNA position 6340, A replaced by C.
Protein change: p.Ser2114Arg; replaces serine 2114 with arginine.
Molecular consequence: missense variant.
Genome position (GRCh38, 1-based): chr5:112,841,934, A>C. VCF-style: chr5-112841934-A-C. GRCh37 (hg19) VCF-style: chr5-112177631-A-C.
Other names: c.6340A>C, p.Ser2114Arg (NM_001127510.3, NM_001354895.2); c.6286A>C, p.Ser2096Arg (NM_001127511.3); c.6394A>C, p.Ser2132Arg (NM_001354896.2); c.6370A>C, p.Ser2124Arg (NM_001354897.2); c.6265A>C, p.Ser2089Arg (NM_001354898.2); c.6256A>C, p.Ser2086Arg (NM_001354899.2); c.6217A>C, p.Ser2073Arg (NM_001354900.2); c.6163A>C, p.Ser2055Arg (NM_001354901.2); and 5 more; short protein forms S1988R, S2073R, S2086R, S2089R, S2096R, S2132R, S2013R, S2055R.
Identifiers: ClinVar variation 834780 (VCV000834780.11), dbSNP rs1766190321, ClinGen allele CA16035216.

ClinVar aggregate classification (germline): Uncertain significance (1 of 4 stars; one submission).

Conditions:
Familial adenomatous polyposis 1 (FAP1). Also called: POLYPOSIS, ADENOMATOUS INTESTINAL; FAMILIAL ADENOMATOUS POLYPOSIS 1, ATTENUATED. Identifiers: MedGen C2713442, MONDO:0021056, OMIM 175100. Disease mechanism: loss of function.

Submission:

Labcorp Genetics (formerly Invitae), Labcorp
Classification: Uncertain significance for Familial adenomatous polyposis 1. Last evaluated: 2024-02-23. Review status: criteria provided, single submitter. Criteria: Invitae Variant Classification Sherloc (09022015). Collection method: clinical testing. Allele origin: germline.
Comment: This sequence change replaces serine, which is neutral and polar, with arginine, which is basic and polar, at codon 2114 of the APC protein (p.Ser2114Arg). This variant is not present in population databases (gnomAD no frequency). This variant has not been reported in the literature in individuals affected with APC-related conditions. ClinVar contains an entry for this variant (Variation ID: 834780). Advanced modeling of protein sequence and biophysical properties (such as structural, functional, and spatial information, amino acid conservation, physicochemical variation, residue mobility, and thermodynamic stability) performed at Invitae indicates that this missense variant is not expected to disrupt APC protein function with a negative predictive value of 95%. In summary, the available evidence is currently insufficient to determine the role of this variant in disease. Therefore, it has been classified as a Variant of Uncertain Significance.